The following is an entry in ClinVar:

ClinVar aggregate classification (germline): Uncertain significance (1 of 4 stars; one submission).

Allele frequency attached by ClinVar (database versions not stated): gnomAD exomes below 0.00001 and 0.00001; gnomAD 0.00001; ExAC 0.00002.
gnomAD v4.1: 24 of 1,613,958 alleles (0.0015%); highest among the groups gnomAD compares: East Asian, 0.0022%; no homozygotes.

Submission:

CeGaT Center for Human Genetics Tuebingen
Classification: Uncertain significance. Last evaluated: 2022-07-01. Review status: criteria provided, single submitter. Criteria: CeGaT Center For Human Genetics Tuebingen Variant Classification Criteria Version 2. Collection method: clinical testing. Allele origin: germline. Affected: yes. Observed: 1 variant allele.
Comment: AOPEP: PM2, BP4

NM_001193329.3(AOPEP):c.142G>A (p.Glu48Lys)

Gene: AOPEP (aminopeptidase O (putative); plus strand). Cytogenetic location: 9q22.32.
Variant type: single nucleotide variant.
Coding change: c.142G>A on transcript NM_001193329.3 (MANE Select); coding-DNA position 142, G replaced by A.
Protein change: p.Glu48Lys; replaces glutamic acid 48 with lysine.
Molecular consequence: missense variant. On other transcripts: non-coding transcript variant (5), intron variant (2).
Genome position (GRCh38, 1-based): chr9:94,759,925, G>A. VCF-style: chr9-94759925-G-A. GRCh37 (hg19) VCF-style: chr9-97522207-G-A.
Other names: c.142G>A, p.Glu48Lys (NM_001193331.3, NM_001386062.2, NM_001386063.2 and 11 more transcripts); c.-29-32840G>A (NM_001386061.1); c.-73-13077G>A (NM_001386073.1); short protein forms E48K.
Identifiers: ClinVar variation 1701573 (VCV001701573.31), dbSNP rs761327668, ClinGen allele CA5136461.
Genomic context (GRCh38, chr9:94,759,925, plus strand): 5'-CTGGATTTGGATGTGGATTTTGAAAGTCAAGTCATTGAGGGGACCATAGTGCTTTTCCTC[G>A]AGGATGGAAACAGATTCAAGAAACAGAATAGCTCTATTGAGGAAGCCTGCCAATCAGAAT-3'
Protein context (NP_001180258.1, residues 38-58): VIEGTIVLFL[Glu48Lys]DGNRFKKQNS